The following is an entry in ClinVar:

ClinVar aggregate classification (germline): Likely benign. Review status: criteria provided, multiple submitters, no conflicts (2 of 4 stars). 5 submissions from 5 submitters: Likely benign (4). 1 of the submissions does not count toward it. Last evaluated 2025-10-20.

Conditions:
ARFGEF2-related disorder. Also called: ARFGEF2-related condition.

Allele frequency attached by ClinVar (database versions not stated): gnomAD exomes 0.00007 and 0.00016; ESP Exome Variant Server 0.00008; gnomAD 0.00011; TOPMed 0.00013; 1000 Genomes Project 0.00020; ExAC 0.00024; 1000 Genomes Project 30x 0.00031.
gnomAD v4.1: 156 of 1,613,904 alleles (0.0097%); highest among the groups gnomAD compares: South Asian, 0.081%; 1 homozygote.

Submissions (5):

Labcorp Genetics (formerly Invitae), Labcorp
Classification: Likely benign. Last evaluated: 2025-10-20. Review status: criteria provided, single submitter. Criteria: Invitae Variant Classification Sherloc (09022015). Collection method: clinical testing. Allele origin: germline.

Blueprint Genetics
Classification: Likely benign. Last evaluated: 2024-11-01. Review status: criteria provided, single submitter. Criteria: ACMG Guidelines, 2015. Collection method: clinical testing. Allele origin: germline.

GeneDx
Classification: Likely benign. Last evaluated: 2019-10-07. Review status: criteria provided, single submitter. Criteria: GeneDx Variant Classification Process June 2021. Collection method: clinical testing. Allele origin: germline. Affected: yes.

Genetic Services Laboratory, University of Chicago
Classification: Likely benign. Last evaluated: 2016-03-14. Review status: criteria provided, single submitter. Criteria: ACMG Guidelines, 2015. Collection method: clinical testing. Allele origin: germline. Affected: no.

PreventionGenetics, part of Exact Sciences
Classification: Likely benign for ARFGEF2-related condition. Last evaluated: 2019-02-22. Review status: no assertion criteria provided. Collection method: clinical testing. Allele origin: germline. Not counted in ClinVar's aggregate classification.
Comment: This variant is classified as likely benign based on ACMG/AMP sequence variant interpretation guidelines (Richards et al. 2015 PMID: 25741868, with internal and published modifications).

NM_006420.3(ARFGEF2):c.1953C>T (p.Ile651=)

Gene: ARFGEF2 (ARF guanine nucleotide exchange factor 2; plus strand). Cytogenetic location: 20q13.13.
Variant type: single nucleotide variant.
Coding change: c.1953C>T on transcript NM_006420.3 (MANE Select); coding-DNA position 1953, C replaced by T.
Protein change: p.Ile651=; no amino-acid change (isoleucine 651 retained).
Molecular consequence: synonymous variant.
Genome position (GRCh38, 1-based): chr20:48,976,194, C>T. VCF-style: chr20-48976194-C-T. GRCh37 (hg19) VCF-style: chr20-47592731-C-T.
Identifiers: ClinVar variation 434278 (VCV000434278.21), dbSNP rs377322572, ClinGen allele CA9898512.